The following is an entry in ClinVar:

ClinVar aggregate classification (germline): Conflicting classifications of pathogenicity. Review status: criteria provided, conflicting classifications (1 of 4 stars). 6 submissions from 6 submitters: Uncertain significance (3); Benign (2); Likely benign (1). Last evaluated 2025-12-08.

Conditions:
Tuberous sclerosis 2 (TSC2). Identifiers: Orphanet 805, MedGen C1860707, MONDO:0013199, OMIM 613254.
TSC2-related disorder. Also called: TSC2-Related Disorders; TSC2-related condition.
Hereditary cancer-predisposing syndrome. Also called: Hereditary neoplastic syndrome; Neoplastic Syndromes, Hereditary; Hereditary Cancer Syndrome; Tumor predisposition. Identifiers: Orphanet 140162, MedGen C0027672, MeSH D009386, MONDO:0015356.

Allele frequency attached by ClinVar (database versions not stated): TOPMed below 0.00001; gnomAD exomes 0.00001.
gnomAD v4.1: 6 of 1,590,736 alleles (0.00038%); highest among the groups gnomAD compares: Admixed American, 0.0053%; no homozygotes.

Submissions (6):

Labcorp Genetics (formerly Invitae), Labcorp
Classification: Benign for Tuberous sclerosis 2. Last evaluated: 2025-12-08. Review status: criteria provided, single submitter. Criteria: Invitae Variant Classification Sherloc (09022015). Collection method: clinical testing. Allele origin: germline.

Ambry Genetics
Classification: Uncertain significance for Hereditary cancer-predisposing syndrome. Last evaluated: 2023-09-21. Review status: criteria provided, single submitter. Criteria: Ambry Variant Classification Scheme 2023. Collection method: clinical testing. Allele origin: germline.
Comment: The p.A86T variant (also known as c.256G>A), located in coding exon 3 of the TSC2 gene, results from a G to A substitution at nucleotide position 256. The alanine at codon 86 is replaced by threonine, an amino acid with similar properties. This amino acid position is not well conserved in available vertebrate species. In addition, this alteration is predicted to be tolerated by in silico analysis. Since supporting evidence is limited at this time, the clinical significance of this alteration remains unclear.

PreventionGenetics, part of Exact Sciences
Classification: Uncertain significance for TSC2-related condition. Last evaluated: 2022-12-08. Review status: criteria provided, single submitter. Criteria: ACMG Guidelines, 2015. Collection method: clinical testing. Allele origin: germline.
Comment: The TSC2 c.256G>A variant is predicted to result in the amino acid substitution p.Ala86Thr. To our knowledge, this variant has not been reported in the literature. This variant is reported in 0.0098% of alleles in individuals of Latino descent in gnomAD. At this time, the clinical significance of this variant is uncertain due to the absence of conclusive functional and genetic evidence.

Genome-Nilou Lab
Classification: Benign for Tuberous sclerosis 2. Last evaluated: 2021-11-07. Review status: criteria provided, single submitter. Criteria: ACMG Guidelines, 2015. Collection method: clinical testing. Allele origin: germline. Affected: no.

Sema4
Classification: Uncertain significance for Hereditary cancer-predisposing syndrome. Last evaluated: 2021-07-16. Review status: criteria provided, single submitter. Criteria: Sema4 Curation Guidelines. Collection method: curation. Allele origin: germline.
Comment: The TSC2 c.256G>A (p.A86T) variant has not been reported in the literature to our knowledge. It was observed in 3/30682 chromosomes of the Latino subpopulation in the large and broad cohorts of the Genome Aggregation Database (PMID: 32461654) and has been reported in ClinVar (Variation ID 574849). Functional studies have not been performed, and in silico predictions of the variant's effect on protein function are inconclusive. The evidence is insufficient to meet ACMG/AMP criteria for classifying the variant as benign or pathogenic. Thus, the clinical significance of this variant is currently uncertain.

GeneDx
Classification: Likely benign. Last evaluated: 2019-10-24. Review status: criteria provided, single submitter. Criteria: GeneDx Variant Classification Process June 2021. Collection method: clinical testing. Allele origin: germline. Affected: yes.
Comment: This variant is associated with the following publications: (PMID: 24755471)

NM_000548.5(TSC2):c.256G>A (p.Ala86Thr)

Gene: TSC2 (TSC complex subunit 2; plus strand). Cytogenetic location: 16p13.3.
Variant type: single nucleotide variant.
Coding change: c.256G>A on transcript NM_000548.5 (MANE Select); coding-DNA position 256, G replaced by A.
Protein change: p.Ala86Thr; replaces alanine 86 with threonine.
Molecular consequence: missense variant. On other transcripts: intron variant (2).
Genome position (GRCh38, 1-based): chr16:2,053,372, G>A. VCF-style: chr16-2053372-G-A. GRCh37 (hg19) VCF-style: chr16-2103373-G-A.
Other names: c.256G>A, p.Ala86Thr (NM_001077183.3, NM_001114382.3, NM_001363528.2 and 3 more transcripts); c.109G>A, p.Ala37Thr (NM_001318829.2); c.289G>A, p.Ala97Thr (NM_001318832.2); c.226-924G>A (NM_001318827.2); c.-1-2824G>A (NM_001318831.2); c.256G>A (NM_000548.4); short protein forms A86T, A37T, A97T.
Identifiers: ClinVar variation 574849 (VCV000574849.20), dbSNP rs1190158836, ClinGen allele CA394305566.